The following is an entry in ClinVar:

ClinVar aggregate classification (germline): Uncertain significance (1 of 4 stars; one submission).

Conditions:
RYR1-related disorder. Also called: RYR1-related condition; RYR1-related disorders. Identifiers: MedGen CN239331.

Submission:

Labcorp Genetics (formerly Invitae), Labcorp
Classification: Uncertain significance for RYR1-related disorder. Last evaluated: 2021-08-28. Review status: criteria provided, single submitter. Criteria: Invitae Variant Classification Sherloc (09022015). Collection method: clinical testing. Allele origin: germline.
Comment: This sequence change replaces valine with alanine at codon 3139 of the RYR1 protein (p.Val3139Ala). The valine residue is highly conserved and there is a small physicochemical difference between valine and alanine. This variant is not present in population databases (ExAC no frequency). This variant has not been reported in the literature in individuals affected with RYR1-related conditions. Advanced modeling of protein sequence and biophysical properties (such as structural, functional, and spatial information, amino acid conservation, physicochemical variation, residue mobility, and thermodynamic stability) performed at Invitae indicates that this missense variant is not expected to disrupt RYR1 protein function. In summary, the available evidence is currently insufficient to determine the role of this variant in disease. Therefore, it has been classified as a Variant of Uncertain Significance.

NM_000540.3(RYR1):c.9416T>C (p.Val3139Ala)

Gene: RYR1 (ryanodine receptor 1; plus strand). Cytogenetic location: 19q13.2.
Variant type: single nucleotide variant.
Coding change: c.9416T>C on transcript NM_000540.3 (MANE Select); coding-DNA position 9416, T replaced by C.
Protein change: p.Val3139Ala; replaces valine 3139 with alanine.
Molecular consequence: missense variant.
Genome position (GRCh38, 1-based): chr19:38,512,427, T>C. VCF-style: chr19-38512427-T-C. GRCh37 (hg19) VCF-style: chr19-39003067-T-C.
Other names: c.9416T>C, p.Val3139Ala (NM_001042723.2); short protein forms V3139A.
Identifiers: ClinVar variation 1967541 (VCV001967541.2), dbSNP rs2514406999, ClinGen allele CA405687438.